The following is an entry in ClinVar:

ClinVar aggregate classification (germline): Pathogenic. Review status: criteria provided, multiple submitters, no conflicts (2 of 4 stars). 2 submissions from 2 submitters: Pathogenic (2). Last evaluated 2025-06-18.

Conditions:
Cohen syndrome (COH1). Also called: PEPPER SYNDROME; Cutis verticis gyrata, retinitis pigmentosa, and sensorineural deafness. Identifiers: Orphanet 193, MedGen C0265223, MONDO:0008999, OMIM 216550.
Inborn genetic diseases. Identifiers: MedGen C0950123, MeSH D030342.

Submissions (2):

Myriad Genetics, Inc.
Classification: Pathogenic for Cohen syndrome. Last evaluated: 2025-06-18. Review status: criteria provided, single submitter. Criteria: Myriad Autosomal Dominant, Autosomal Recessive and X-Linked Classification Criteria (2023). Collection method: clinical testing. Allele origin: unknown.
Comment: NM_017890.4(VPS13B):c.6823C>T(Q2275*) is expected to be pathogenic in the context of Cohen syndrome. This variant is predicted to lead to an abnormal or absent protein product due to the creation of a premature termination codon in VPS13B, a gene where loss-of-function variants are known to be pathogenic. Please note: this variant was assessed in the context of healthy population screening.

Ambry Genetics
Classification: Pathogenic for Inborn genetic diseases. Last evaluated: 2016-08-23. Review status: criteria provided, single submitter. Criteria: Ambry Variant Classification Scheme 2023. Collection method: clinical testing. Allele origin: germline.
Comment: The p.Q2275* pathogenic mutation (also known as c.6823C>T), located in coding exon 37 of the VPS13B gene, results from a C to T substitution at nucleotide position 6823. This changes the amino acid from a glutamine to a stop codon within coding exon 37. This alteration is expected to result in loss of function by premature protein truncation or nonsense-mediated mRNA decay. As such, this alteration is interpreted as a disease-causing mutation.

NM_152564.5(VPS13B):c.6748C>T (p.Gln2250Ter)

Gene: VPS13B (vacuolar protein sorting 13 homolog B; plus strand). Cytogenetic location: 8q22.2.
Variant type: single nucleotide variant.
Coding change: c.6748C>T on transcript NM_152564.5 (MANE Select); coding-DNA position 6748, C replaced by T.
Protein change: p.Gln2250Ter; replaces glutamine 2250 with a stop codon.
Molecular consequence: nonsense.
Genome position (GRCh38, 1-based): chr8:99,720,435, C>T. VCF-style: chr8-99720435-C-T. GRCh37 (hg19) VCF-style: chr8-100732663-C-T.
Other names: c.6823C>T, p.Gln2275Ter (NM_017890.5); short protein forms Q2250*, Q2275*.
Identifiers: ClinVar variation 588148 (VCV000588148.6), dbSNP rs1014496937, ClinGen allele CA183029747.